The following is an entry in ClinVar:

NM_005343.4(HRAS):c.331A>G (p.Met111Val)

Genes: HRAS (HRas proto-oncogene, GTPase; minus strand), LRRC56 (leucine rich repeat containing 56; plus strand). Cytogenetic location: 11p15.5.
Variant type: single nucleotide variant.
Coding change: c.331A>G on transcript NM_005343.4 (MANE Select); coding-DNA position 331, A replaced by G.
Protein change: p.Met111Val; replaces methionine 111 with valine.
Molecular consequence: missense variant. On other transcripts: synonymous variant (1).
Genome position (GRCh38, 1-based): chr11:533,572, T>C on the plus strand (A>G on the coding strand, the complement: HRAS is on the minus strand). VCF-style: chr11-533572-T-C. GRCh37 (hg19) VCF-style: chr11-533572-T-C.
Other names: c.331A>G, p.Met111Val (NM_001130442.3, NM_176795.5); c.12A>G, p.Pro4= (NM_001318054.2); short protein forms M111V.
Identifiers: ClinVar variation 1491189 (VCV001491189.6), dbSNP rs771447288, ClinGen allele CA5779330.
Genomic context (GRCh38, chr11:533,572, plus strand): 5'-GAGCCTGCCGAGATTCCACAGTGCGTGCAGCCAGGTCACACTTGTTCCCCACCAGCACCA[T>C]GGGCACGTCATCCGAGTCCTTCACCCGTTTGATCTGCTCCCTGAGAGGTGGAAAGCGAGA-3'
Protein context (NP_005334.1, residues 101-121): KRVKDSDDVP[Met111Val]VLVGNKCDLA

ClinVar aggregate classification (germline): Uncertain significance (1 of 4 stars; one submission).

Conditions:
Costello syndrome (CSTLO). Also called: FCS SYNDROME; FACIOCUTANEOSKELETAL SYNDROME; HRAS-Related Costello Syndrome. Identifiers: Orphanet 3071, MedGen C0587248, MONDO:0009026, OMIM 218040.

Allele frequency attached by ClinVar (database versions not stated): gnomAD exomes below 0.00001; ExAC 0.00001; TOPMed 0.00001.
gnomAD v4.1: 3 of 1,613,820 alleles (0.00019%); highest among the groups gnomAD compares: South Asian, 0.0011%; no homozygotes.

Submission:

Labcorp Genetics (formerly Invitae), Labcorp
Classification: Uncertain significance for Costello syndrome. Last evaluated: 2024-03-04. Review status: criteria provided, single submitter. Criteria: Invitae Variant Classification Sherloc (09022015). Collection method: clinical testing. Allele origin: germline.
Comment: This sequence change replaces methionine, which is neutral and non-polar, with valine, which is neutral and non-polar, at codon 111 of the HRAS protein (p.Met111Val). This variant is present in population databases (rs771447288, gnomAD 0.003%). This variant has not been reported in the literature in individuals affected with HRAS-related conditions. ClinVar contains an entry for this variant (Variation ID: 1491189). Advanced modeling of protein sequence and biophysical properties (such as structural, functional, and spatial information, amino acid conservation, physicochemical variation, residue mobility, and thermodynamic stability) performed at Invitae indicates that this missense variant is not expected to disrupt HRAS protein function with a negative predictive value of 95%. In summary, the available evidence is currently insufficient to determine the role of this variant in disease. Therefore, it has been classified as a Variant of Uncertain Significance.